The following is an entry in ClinVar:

ClinVar aggregate classification (germline): Uncertain significance (1 of 4 stars; one submission).

Conditions:
Immunodeficiency 51 (IMD51). Also called: CANDIDIASIS, FAMILIAL, 5. Identifiers: Orphanet 1334, MedGen C4310803, MONDO:0013500, OMIM 613953.

Allele frequency attached by ClinVar (database versions not stated): ExAC below 0.00001; gnomAD exomes 0.00001; gnomAD 0.00002 and 0.00003; TOPMed 0.00002; 1000 Genomes Project 30x 0.00016.
gnomAD v4.1: 16 of 1,578,642 alleles (0.001%); highest among the groups gnomAD compares: African/African-American, 0.004%; no homozygotes.

Submission:

Labcorp Genetics (formerly Invitae), Labcorp
Classification: Uncertain significance for Immunodeficiency 51. Last evaluated: 2020-01-13. Review status: criteria provided, single submitter. Criteria: Invitae Variant Classification Sherloc (09022015). Collection method: clinical testing. Allele origin: germline.
Comment: In summary, the available evidence is currently insufficient to determine the role of this variant in disease. Therefore, it has been classified as a Variant of Uncertain Significance. Algorithms developed to predict the effect of sequence changes on RNA splicing suggest that this variant may create or strengthen a splice site, but this prediction has not been confirmed by published transcriptional studies. Algorithms developed to predict the effect of missense changes on protein structure and function are either unavailable or do not agree on the potential impact of this missense change (SIFT: "Deleterious"; PolyPhen-2: "Possibly Damaging"; Align-GVGD: "Class C0"). This variant has not been reported in the literature in individuals with IL17RA-related conditions. The frequency data for this variant in the population databases is considered unreliable, as metrics indicate poor data quality at this position in the ExAC database. This sequence change replaces arginine with tryptophan at codon 620 of the IL17RA protein (p.Arg620Trp). The arginine residue is weakly conserved and there is a moderate physicochemical difference between arginine and tryptophan.

NM_014339.7(IL17RA):c.1858C>T (p.Arg620Trp)

Gene: IL17RA (interleukin 17 receptor A; plus strand). Cytogenetic location: 22q11.1.
Variant type: single nucleotide variant.
Coding change: c.1858C>T on transcript NM_014339.7 (MANE Select); coding-DNA position 1858, C replaced by T.
Protein change: p.Arg620Trp; replaces arginine 620 with tryptophan.
Molecular consequence: missense variant.
Genome position (GRCh38, 1-based): chr22:17,109,077, C>T. VCF-style: chr22-17109077-C-T. GRCh37 (hg19) VCF-style: chr22-17589967-C-T.
Other names: c.1756C>T, p.Arg586Trp (NM_001289905.2); short protein forms R586W, R620W.
Identifiers: ClinVar variation 1046257 (VCV001046257.9), dbSNP rs772665587, ClinGen allele CA10086871.